The following is an entry in ClinVar:

NM_025137.4(SPG11):c.896A>G (p.Glu299Gly)

Gene: SPG11 (SPG11 vesicle trafficking associated, spatacsin; minus strand). Cytogenetic location: 15q21.1.
Variant type: single nucleotide variant.
Coding change: c.896A>G on transcript NM_025137.4 (MANE Select); coding-DNA position 896, A replaced by G.
Protein change: p.Glu299Gly; replaces glutamic acid 299 with glycine.
Molecular consequence: missense variant.
Genome position (GRCh38, 1-based): chr15:44,652,240, T>C on the plus strand (A>G on the coding strand, the complement: SPG11 is on the minus strand). VCF-style: chr15-44652240-T-C. GRCh37 (hg19) VCF-style: chr15-44944438-T-C.
Other names: c.896A>G, p.Glu299Gly (NM_001160227.2, NM_001411132.1); short protein forms E299G.
Identifiers: ClinVar variation 1896128 (VCV001896128.2), dbSNP rs764823036, ClinGen allele CA7535678.
Genomic context (GRCh38, chr15:44,652,240, plus strand): 5'-ACAGGATCATCTTCATCTACGCCCTTAGGTCCTTGAATAGGAAGATCTTCTAGTATTCTT[T>C]CACACAGTAGGTGTCCTGGGTGTTGCCTACATTTAAAAATAATGATAGACATATGAAAAA-3'
Protein context (NP_079413.3, residues 289-309): FRQHPGHLLC[Glu299Gly]RILEDLPIQG

ClinVar aggregate classification (germline): Uncertain significance (1 of 4 stars; one submission).

Conditions:
Hereditary spastic paraplegia 11. Also called: SPASTIC PARAPLEGIA, AUTOSOMAL RECESSIVE, COMPLICATED, WITH THIN CORPUS CALLOSUM; SPASTIC PARAPLEGIA, AUTOSOMAL RECESSIVE, WITH MENTAL IMPAIRMENT AND THIN CORPUS CALLOSUM; Spastic paraplegia, mental retardation and thin corpus callosum; Spastic Paraplegia 11; Nakamura Osame syndrome; Autosomal recessive hereditary spastic paraplegia, mental impairment, and thin corpus callosum. Identifiers: Orphanet 2822, MedGen C1858479, MONDO:0011445, OMIM 604360.

Allele frequency attached by ClinVar (database versions not stated): gnomAD exomes below 0.00001; ExAC 0.00001.

Submission:

Labcorp Genetics (formerly Invitae), Labcorp
Classification: Uncertain significance for Hereditary spastic paraplegia 11. Last evaluated: 2022-05-08. Review status: criteria provided, single submitter. Criteria: Invitae Variant Classification Sherloc (09022015). Collection method: clinical testing. Allele origin: germline.
Comment: This sequence change replaces glutamic acid, which is acidic and polar, with glycine, which is neutral and non-polar, at codon 299 of the SPG11 protein (p.Glu299Gly). This variant is present in population databases (rs764823036, gnomAD 0.0009%). This variant has not been reported in the literature in individuals affected with SPG11-related conditions. Algorithms developed to predict the effect of missense changes on protein structure and function are either unavailable or do not agree on the potential impact of this missense change (SIFT: "Deleterious"; PolyPhen-2: "Probably Damaging"; Align-GVGD: "Class C0"). In summary, the available evidence is currently insufficient to determine the role of this variant in disease. Therefore, it has been classified as a Variant of Uncertain Significance.